The following is an entry in ClinVar:

NM_002335.4(LRP5):c.3018C>A (p.Asp1006Glu)

Gene: LRP5 (LDL receptor related protein 5; plus strand). Cytogenetic location: 11q13.2.
Variant type: single nucleotide variant.
Coding change: c.3018C>A on transcript NM_002335.4 (MANE Select); coding-DNA position 3018, C replaced by A.
Protein change: p.Asp1006Glu; replaces aspartic acid 1006 with glutamic acid.
Molecular consequence: missense variant.
Genome position (GRCh38, 1-based): chr11:68,416,518, C>A. VCF-style: chr11-68416518-C-A. GRCh37 (hg19) VCF-style: chr11-68183986-C-A.
Other names: c.1275C>A, p.Asp425Glu (NM_001291902.2); c.3018C>A (NM_002335.2); short protein forms D425E, D1006E.
Identifiers: ClinVar variation 2097569 (VCV002097569.5), dbSNP rs146792434, ClinGen allele CA381620040.

ClinVar aggregate classification (germline): Uncertain significance. Review status: criteria provided, multiple submitters, no conflicts (2 of 4 stars). 2 submissions from 2 submitters: Uncertain significance (2). Last evaluated 2026-09-02.

Conditions:
Inborn genetic diseases. Identifiers: MedGen C0950123, MeSH D030342.

gnomAD v4.1: 3 of 1,614,096 alleles (0.00019%); highest among the groups gnomAD compares: Non-Finnish European, 0.00025%; no homozygotes.

Submissions (2):

Ambry Genetics
Classification: Uncertain significance for Inborn genetic diseases. Last evaluated: 2026-09-02. Review status: criteria provided, single submitter. Criteria: Ambry Variant Classification Scheme 2023. Collection method: clinical testing. Allele origin: germline.

Labcorp Genetics (formerly Invitae), Labcorp
Classification: Uncertain significance. Last evaluated: 2023-08-14. Review status: criteria provided, single submitter. Criteria: Invitae Variant Classification Sherloc (09022015). Collection method: clinical testing. Allele origin: germline.
Comment: This sequence change replaces aspartic acid, which is acidic and polar, with glutamic acid, which is acidic and polar, at codon 1006 of the LRP5 protein (p.Asp1006Glu). This variant is present in population databases (no rsID available, gnomAD 0.0009%). This variant has not been reported in the literature in individuals affected with LRP5-related conditions. ClinVar contains an entry for this variant (Variation ID: 2097569). Advanced modeling of protein sequence and biophysical properties (such as structural, functional, and spatial information, amino acid conservation, physicochemical variation, residue mobility, and thermodynamic stability) performed at Invitae indicates that this missense variant is not expected to disrupt LRP5 protein function. In summary, the available evidence is currently insufficient to determine the role of this variant in disease. Therefore, it has been classified as a Variant of Uncertain Significance.